The following is an entry in ClinVar:

ClinVar aggregate classification (germline): Uncertain significance. Review status: criteria provided, multiple submitters, no conflicts (2 of 4 stars). 2 submissions from 2 submitters: Uncertain significance (2). Last evaluated 2025-12-22.

Conditions:
Hereditary cancer-predisposing syndrome. Also called: Neoplastic Syndromes, Hereditary; Tumor predisposition; Hereditary Cancer Syndrome; Hereditary neoplastic syndrome. Identifiers: Orphanet 140162, MedGen C0027672, MeSH D009386, MONDO:0015356.

Submissions (2):

Ambry Genetics
Classification: Uncertain significance for Hereditary cancer-predisposing syndrome. Last evaluated: 2025-12-22. Review status: criteria provided, single submitter. Criteria: Ambry Variant Classification Scheme 2023. Collection method: clinical testing. Allele origin: germline.
Comment: The p.T41K variant (also known as c.122C>A), located in coding exon 2 of the POLE gene, results from a C to A substitution at nucleotide position 122. The threonine at codon 41 is replaced by lysine, an amino acid with similar properties. This amino acid position is conserved. In addition, this alteration is predicted to be tolerated by in silico analysis. Based on the available evidence, the clinical significance of this variant remains unclear.

Labcorp Genetics (formerly Invitae), Labcorp
Classification: Uncertain significance. Last evaluated: 2022-09-24. Review status: criteria provided, single submitter. Criteria: Invitae Variant Classification Sherloc (09022015). Collection method: clinical testing. Allele origin: germline.
Comment: In summary, the available evidence is currently insufficient to determine the role of this variant in disease. Therefore, it has been classified as a Variant of Uncertain Significance. Advanced modeling of protein sequence and biophysical properties (such as structural, functional, and spatial information, amino acid conservation, physicochemical variation, residue mobility, and thermodynamic stability) performed at Invitae indicates that this missense variant is not expected to disrupt POLE protein function. ClinVar contains an entry for this variant (Variation ID: 1501790). This variant has not been reported in the literature in individuals affected with POLE-related conditions. This variant is not present in population databases (gnomAD no frequency). This sequence change replaces threonine, which is neutral and polar, with lysine, which is basic and polar, at codon 41 of the POLE protein (p.Thr41Lys).

NM_006231.4(POLE):c.122C>A (p.Thr41Lys)

Gene: POLE (DNA polymerase epsilon, catalytic subunit; minus strand). Cytogenetic location: 12q24.33.
Variant type: single nucleotide variant.
Coding change: c.122C>A on transcript NM_006231.4 (MANE Select); coding-DNA position 122, C replaced by A.
Protein change: p.Thr41Lys; replaces threonine 41 with lysine.
Molecular consequence: missense variant.
Genome position (GRCh38, 1-based): chr12:132,681,220, G>T on the plus strand (C>A on the coding strand, the complement: POLE is on the minus strand). VCF-style: chr12-132681220-G-T. GRCh37 (hg19) VCF-style: chr12-133257806-G-T.
Other names: c.122C>A (NM_006231.2); short protein forms T41K.
Identifiers: ClinVar variation 1501790 (VCV001501790.7), dbSNP rs148269473, ClinGen allele CA387370230.
Genomic context (GRCh38, chr12:132,681,220, plus strand): 5'-CCTGTCTTCTCACCAGGCTCCTTCAGCCGCTCAAAACCAAACCGCAAATCCATCTTATCC[G>T]TCCACTGACTCCGTTCCAGGCGCTTGAGTGCCGAAACTGAGGAAGTGGCGCCATCATCCC-3'
Protein context (NP_006222.2, residues 31-51): ALKRLERSQW[Thr41Lys]DKMDLRFGFE